The following is an entry in ClinVar:

NM_021222.3(PRUNE1):c.1227G>A (p.Pro409=)

Gene: PRUNE1 (prune exopolyphosphatase 1; plus strand). Cytogenetic location: 1q21.3.
Variant type: single nucleotide variant.
Coding change: c.1227G>A on transcript NM_021222.3 (MANE Select); coding-DNA position 1227, G replaced by A.
Protein change: p.Pro409=; no amino-acid change (proline 409 retained).
Molecular consequence: synonymous variant. On other transcripts: non-coding transcript variant (4).
Genome position (GRCh38, 1-based): chr1:151,034,099, G>A. VCF-style: chr1-151034099-G-A. GRCh37 (hg19) VCF-style: chr1-151006575-G-A.
Other names: c.1227G>A (NM_021222.2); c.681G>A, p.Pro227= (NM_001303229.2); c.1068G>A, p.Pro356= (NM_001303242.2); c.624G>A, p.Pro208= (NM_001303243.2).
Identifiers: ClinVar variation 2083106 (VCV002083106.6), dbSNP rs193222748, ClinGen allele CA1083985.
Genomic context (GRCh38, chr1:151,034,099, plus strand): 5'-GGCAAGTAACTCCCTGATTTCTGGCCTGAGTCAAGATGAGGAGGACCCTCCGCTGCCCCC[G>A]ACGCCCATGAACAGCTTGGTGGATGAGTGCCCTCTAGATCAGGGGCTGCCTAAACTCTCT-3'
Protein context (NP_067045.1, residues 399-419): SQDEEDPPLP[Pro409=]TPMNSLVDEC

ClinVar aggregate classification (germline): Likely benign. Review status: criteria provided, single submitter (1 of 4 stars). 2 submissions from 2 submitters: Likely benign (1). 1 of the submissions does not count toward it. Last evaluated 2025-03-26.

Conditions:
PRUNE1-related disorder. Also called: PRUNE1-related condition.

Allele frequency attached by ClinVar (database versions not stated): ExAC 0.00007; ESP Exome Variant Server 0.00008; gnomAD exomes 0.00008; gnomAD 0.00027; TOPMed 0.00036; 1000 Genomes Project 0.00040; 1000 Genomes Project 30x 0.00047.

Submissions (2):

Labcorp Genetics (formerly Invitae), Labcorp
Classification: Likely benign. Last evaluated: 2025-03-26. Review status: criteria provided, single submitter. Criteria: Invitae Variant Classification Sherloc (09022015). Collection method: clinical testing. Allele origin: germline.

PreventionGenetics, part of Exact Sciences
Classification: Likely benign for PRUNE1-related condition. Last evaluated: 2019-11-19. Review status: no assertion criteria provided. Collection method: clinical testing. Allele origin: germline. Not counted in ClinVar's aggregate classification.
Comment: This variant is classified as likely benign based on ACMG/AMP sequence variant interpretation guidelines (Richards et al. 2015 PMID: 25741868, with internal and published modifications).